The following is an entry in ClinVar:

NM_001159699.2(FHL1):c.598G>A (p.Asp200Asn)

Gene: FHL1 (four and a half LIM domains 1; plus strand). Cytogenetic location: Xq26.3.
Variant type: single nucleotide variant.
Coding change: c.598G>A on transcript NM_001159699.2 (MANE Select); coding-DNA position 598, G replaced by A.
Protein change: p.Asp200Asn; replaces aspartic acid 200 with asparagine.
Molecular consequence: missense variant. On other transcripts: non-coding transcript variant (1), intron variant (2).
Genome position (GRCh38, 1-based): chrX:136,208,503, G>A. VCF-style: chrX-136208503-G-A. GRCh37 (hg19) VCF-style: chrX-135290662-G-A.
Other names: c.550G>A, p.Asp184Asn (NM_001159700.2, NM_001159702.3, NM_001159704.1 and 8 more transcripts); c.637G>A, p.Asp213Asn (NM_001159701.2); c.598G>A, p.Asp200Asn (NM_001440769.1); c.501+542G>A (NM_001159703.2); c.549+542G>A (NM_001330659.2); short protein forms D184N, D213N, D200N.
Identifiers: ClinVar variation 4751519 (VCV004751519.1).

ClinVar aggregate classification (germline): Uncertain significance (1 of 4 stars; one submission).

Conditions:
X-linked myopathy with postural muscle atrophy. Also called: FHL1-Related Emery-Dreifuss Muscular Dystrophy, X-Linked. Identifiers: Orphanet 178461, MedGen C2678055, MONDO:0010401, OMIM 300696.

gnomAD v4.1: 7 of 1,209,888 alleles (0.00058%); highest among the groups gnomAD compares: Non-Finnish European, 0.00056%; no homozygotes.

Submission:

Labcorp Genetics (formerly Invitae), Labcorp
Classification: Uncertain significance for X-linked myopathy with postural muscle atrophy. Last evaluated: 2025-12-09. Review status: criteria provided, single submitter. Criteria: Invitae Variant Classification Sherloc (09022015). Collection method: clinical testing. Allele origin: germline.
Comment: This sequence change replaces aspartic acid, which is acidic and polar, with asparagine, which is neutral and polar, at codon 184 of the FHL1 protein (p.Asp184Asn). This variant is present in population databases (no rsID available, gnomAD 0.005%). This variant has not been reported in the literature in individuals affected with FHL1-related conditions. An algorithm developed to predict the effect of missense changes on protein structure and function (PolyPhen-2) suggests that this variant is likely to be tolerated. In summary, the available evidence is currently insufficient to determine the role of this variant in disease. Therefore, it has been classified as a Variant of Uncertain Significance.